The following is an entry in ClinVar:

ClinVar aggregate classification (germline): Likely benign (0 of 4 stars; one submission).

Conditions:
MRPS7-related disorder. Also called: MRPS7-related condition.

Allele frequency attached by ClinVar (database versions not stated): TOPMed below 0.00001; gnomAD exomes 0.00001.
gnomAD v4.1: 3 of 1,613,866 alleles (0.00019%); highest among the groups gnomAD compares: South Asian, 0.0033%; no homozygotes.

Submission:

PreventionGenetics, part of Exact Sciences
Classification: Likely benign for MRPS7-related condition. Last evaluated: 2020-03-03. Review status: no assertion criteria provided. Collection method: clinical testing. Allele origin: germline.
Comment: This variant is classified as likely benign based on ACMG/AMP sequence variant interpretation guidelines (Richards et al. 2015 PMID: 25741868, with internal and published modifications).

NM_015971.4(MRPS7):c.513T>C (p.Pro171=)

Gene: MRPS7 (mitochondrial ribosomal protein S7; plus strand). Cytogenetic location: 17q25.1.
Variant type: single nucleotide variant.
Coding change: c.513T>C on transcript NM_015971.4 (MANE Select); coding-DNA position 513, T replaced by C.
Protein change: p.Pro171=; no amino-acid change (proline 171 retained).
Molecular consequence: synonymous variant.
Genome position (GRCh38, 1-based): chr17:75,265,707, T>C. VCF-style: chr17-75265707-T-C. GRCh37 (hg19) VCF-style: chr17-73261788-T-C.
Identifiers: ClinVar variation 3051064 (VCV003051064.2), dbSNP rs1367517412, ClinGen allele CA501799528.